The following is an entry in ClinVar:

NM_000535.7(PMS2):c.2081A>T (p.Asp694Val)

Gene: PMS2 (PMS1 homolog 2, mismatch repair system component; minus strand). Cytogenetic location: 7p22.1.
Variant type: single nucleotide variant.
Coding change: c.2081A>T on transcript NM_000535.7 (MANE Select); coding-DNA position 2081, A replaced by T.
Protein change: p.Asp694Val; replaces aspartic acid 694 with valine.
Molecular consequence: missense variant. On other transcripts: non-coding transcript variant (1).
Genome position (GRCh38, 1-based): chr7:5,982,917, T>A on the plus strand (A>T on the coding strand, the complement: PMS2 is on the minus strand). VCF-style: chr7-5982917-T-A. GRCh37 (hg19) VCF-style: chr7-6022548-T-A.
Other names: c.1676A>T, p.Asp559Val (NM_001322003.2, NM_001322004.2, NM_001322005.2 and 1 more transcripts); c.1925A>T, p.Asp642Val (NM_001322006.2); c.1763A>T, p.Asp588Val (NM_001322007.2, NM_001322008.2); c.1520A>T, p.Asp507Val (NM_001322010.2); c.1148A>T, p.Asp383Val (NM_001322011.2, NM_001322012.2); c.1508A>T, p.Asp503Val (NM_001322013.2); c.2081A>T, p.Asp694Val (NM_001322014.2); c.1772A>T, p.Asp591Val (NM_001322015.2); short protein forms D694V, D383V, D559V, D503V, D507V, D588V, D591V, D642V.
Identifiers: ClinVar variation 484321 (VCV000484321.17), dbSNP rs1554295876, ClinGen allele CA366738039.

ClinVar aggregate classification (germline): Conflicting classifications of pathogenicity. Review status: criteria provided, conflicting classifications (1 of 4 stars). 5 submissions from 5 submitters: Likely pathogenic (1); Uncertain significance (4). Last evaluated 2025-09-24.

Conditions:
Hereditary cancer-predisposing syndrome. Also called: Neoplastic Syndromes, Hereditary; Tumor predisposition; Hereditary Cancer Syndrome; Hereditary neoplastic syndrome. Identifiers: Orphanet 140162, MedGen C0027672, MeSH D009386, MONDO:0015356.
Hereditary nonpolyposis colorectal neoplasms. Identifiers: MedGen C0009405, MeSH D003123.
PMS2-related disorder. Also called: PMS2-related condition.

Allele frequency attached by ClinVar (database versions not stated): gnomAD 0.00001.
gnomAD v4.1: 1 of 1,594,832 alleles (0.000063%); no homozygotes.

Submissions (5):

Ambry Genetics
Classification: Uncertain significance for Hereditary cancer-predisposing syndrome. Last evaluated: 2025-09-24. Review status: criteria provided, single submitter. Criteria: Ambry Variant Classification Scheme 2023. Collection method: clinical testing. Allele origin: germline.
Comment: The p.D694V variant (also known as c.2081A>T), located in coding exon 12 of the PMS2 gene, results from an A to T substitution at nucleotide position 2081. The aspartic acid at codon 694 is replaced by valine, an amino acid with highly dissimilar properties. This amino acid position is highly conserved in available vertebrate species. In addition, this alteration is predicted to be deleterious by in silico analysis. Since supporting evidence is limited at this time, the clinical significance of this alteration remains unclear.

Labcorp Genetics (formerly Invitae), Labcorp
Classification: Uncertain significance for Hereditary nonpolyposis colorectal neoplasms. Last evaluated: 2025-08-05. Review status: criteria provided, single submitter. Criteria: Invitae Variant Classification Sherloc (09022015). Collection method: clinical testing. Allele origin: germline.
Comment: This sequence change replaces aspartic acid, which is acidic and polar, with valine, which is neutral and non-polar, at codon 694 of the PMS2 protein (p.Asp694Val). The frequency data for this variant in the population databases (gnomAD) is considered unreliable due to the presence of homologous sequence, such as pseudogenes or paralogs, in the genome. This variant has not been reported in the literature in individuals affected with PMS2-related conditions. ClinVar contains an entry for this variant (Variation ID: 484321). Invitae Evidence Modeling incorporating data from in vitro experimental studies (internal data) indicates that this missense variant is expected to disrupt PMS2 function with a positive predictive value of 95%. In summary, the available evidence is currently insufficient to determine the role of this variant in disease. Therefore, it has been classified as a Variant of Uncertain Significance.

Swedish National ChiCaP Initative, Genomic Medicine Sweden
Classification: Likely pathogenic for PMS2-related disorder. Last evaluated: 2024-05-01. Review status: criteria provided, single submitter. Criteria: ACMG Guidelines, 2015. Collection method: clinical testing. Allele origin: biparental. Affected: yes.

GeneDx
Classification: Uncertain significance. Last evaluated: 2024-02-26. Review status: criteria provided, single submitter. Criteria: GeneDx Variant Classification Process June 2021. Collection method: clinical testing. Allele origin: germline. Affected: yes.
Comment: Not observed at significant frequency in large population cohorts (gnomAD); In silico analysis supports that this missense variant has a deleterious effect on protein structure/function; Has not been previously published as pathogenic or benign to our knowledge; In silico analysis suggests this variant may impact gene splicing. In the absence of RNA/functional studies, the actual effect of this sequence change is unknown.; This variant is associated with the following publications: (PMID: 22949387, Fukui2011[Chapter])

Women's Health and Genetics/Laboratory Corporation of America, LabCorp
Classification: Uncertain significance. Last evaluated: 2022-02-24. Review status: criteria provided, single submitter. Criteria: LabCorp Variant Classification Summary - May 2015. Collection method: clinical testing. Allele origin: germline.